The following is an entry in ClinVar:

ClinVar aggregate classification (germline): Uncertain significance. Review status: criteria provided, multiple submitters, no conflicts (2 of 4 stars). 3 submissions from 3 submitters: Uncertain significance (3). Last evaluated 2025-11-12.

Conditions:
Cardiovascular phenotype. Identifiers: MedGen CN230736.
Long QT syndrome 10 (LQT10). Identifiers: Orphanet 101016, Orphanet 768, MedGen C2678484, MONDO:0012737, OMIM 611819.

Allele frequency attached by ClinVar (database versions not stated): gnomAD 0.00001; gnomAD exomes 0.00001; ExAC 0.00003; TOPMed 0.00004.
gnomAD v4.1: 27 of 1,614,012 alleles (0.0017%); highest among the groups gnomAD compares: Middle Eastern, 0.017%; no homozygotes.

Submissions (3):

Labcorp Genetics (formerly Invitae), Labcorp
Classification: Uncertain significance for Long QT syndrome 10. Last evaluated: 2025-11-12. Review status: criteria provided, single submitter. Criteria: Invitae Variant Classification Sherloc (09022015). Collection method: clinical testing. Allele origin: germline.
Comment: This sequence change replaces threonine, which is neutral and polar, with methionine, which is neutral and non-polar, at codon 94 of the SCN4B protein (p.Thr94Met). This variant is present in population databases (rs768926261, gnomAD 0.003%). This variant has not been reported in the literature in individuals affected with SCN4B-related conditions. ClinVar contains an entry for this variant (Variation ID: 190894). An algorithm developed to predict the effect of missense changes on protein structure and function (PolyPhen-2) suggests that this variant is likely to be tolerated. In summary, the available evidence is currently insufficient to determine the role of this variant in disease. Therefore, it has been classified as a Variant of Uncertain Significance.

Ambry Genetics
Classification: Uncertain significance for Cardiovascular phenotype. Last evaluated: 2025-03-14. Review status: criteria provided, single submitter. Criteria: Ambry Variant Classification Scheme 2023. Collection method: clinical testing. Allele origin: germline.

GeneDx
Classification: Uncertain significance. Last evaluated: 2023-06-01. Review status: criteria provided, single submitter. Criteria: GeneDx Variant Classification Process June 2021. Collection method: clinical testing. Allele origin: germline. Affected: yes.
Comment: Has not been previously published as pathogenic or benign to our knowledge; In silico analysis supports that this missense variant does not alter protein structure/function; Variants in candidate genes are classified as variants of uncertain significance in accordance with ACMG guidelines (Richards et al., 2015)

NM_174934.4(SCN4B):c.281C>T (p.Thr94Met)

Genes: SCN4B (sodium voltage-gated channel beta subunit 4; minus strand), LOC126861356 (BRD4-independent group 4 enhancer GRCh37_chr11:118014519-118015718; plus strand). Cytogenetic location: 11q23.3.
Variant type: single nucleotide variant.
Coding change: c.281C>T on transcript NM_174934.4 (MANE Select); coding-DNA position 281, C replaced by T.
Protein change: p.Thr94Met; replaces threonine 94 with methionine.
Molecular consequence: missense variant. On other transcripts: 5 prime UTR variant (1), non-coding transcript variant (1), intron variant (1).
Genome position (GRCh38, 1-based): chr11:118,144,015, G>A on the plus strand (C>T on the coding strand, the complement: SCN4B is on the minus strand). VCF-style: chr11-118144015-G-A. GRCh37 (hg19) VCF-style: chr11-118014730-G-A.
Other names: p.T94M:ACG>ATG; c.-50C>T (NM_001142349.2); c.62-2679C>T (NM_001142348.2); short protein forms T94M.
Identifiers: ClinVar variation 190894 (VCV000190894.12), dbSNP rs768926261, ClinGen allele CA302219.
Genomic context (GRCh38, chr11:118,144,015, plus strand): 5'-ATGTTGTTCATCTTCTCCTTAGTAGAGCCTACCAGAGTGATGCGGTCATCGTCTTTCAAC[G>A]TCACCTTGGGGTCAGACTTCTCATTCTTCACAGTCCCCTCTATGAGCTGGTGGAGGAAGG-3'
Protein context (NP_777594.1, residues 84-104): VKNEKSDPKV[Thr94Met]LKDDDRITLV